The following is an entry in ClinVar:

NM_015693.4(INTU):c.608G>T (p.Gly203Val)

Gene: INTU (inturned planar cell polarity protein; plus strand). Cytogenetic location: 4q28.1.
Variant type: single nucleotide variant.
Coding change: c.608G>T on transcript NM_015693.4 (MANE Select); coding-DNA position 608, G replaced by T.
Protein change: p.Gly203Val; replaces glycine 203 with valine.
Molecular consequence: missense variant.
Genome position (GRCh38, 1-based): chr4:127,643,982, G>T. VCF-style: chr4-127643982-G-T. GRCh37 (hg19) VCF-style: chr4-128565137-G-T.
Other names: short protein forms G203V.
Identifiers: ClinVar variation 3699226 (VCV003699226.2).
Genomic context (GRCh38, chr4:127,643,982, plus strand): 5'-AAGTGCTGGTTGGAATTATTCATCAGACCAAGTGGAGCTGGAGAAGAACCGGAAAGCAGG[G>T]TGATGGAGAGAGGCTTGTGGTTCATGGCCTGCTGCCAGGGGGATCTGCTATGAAGAGCGG-3'
Protein context (NP_056508.2, residues 193-213): KWSWRRTGKQ[Gly203Val]DGERLVVHGL

ClinVar aggregate classification (germline): Uncertain significance (1 of 4 stars; one submission).

Submission:

Labcorp Genetics (formerly Invitae), Labcorp
Classification: Uncertain significance. Last evaluated: 2024-12-02. Review status: criteria provided, single submitter. Criteria: Invitae Variant Classification Sherloc (09022015). Collection method: clinical testing. Allele origin: germline.
Comment: This sequence change replaces glycine, which is neutral and non-polar, with valine, which is neutral and non-polar, at codon 203 of the INTU protein (p.Gly203Val). This variant is not present in population databases (gnomAD no frequency). This variant has not been reported in the literature in individuals affected with INTU-related conditions. Invitae Evidence Modeling of protein sequence and biophysical properties (such as structural, functional, and spatial information, amino acid conservation, physicochemical variation, residue mobility, and thermodynamic stability) indicates that this missense variant is not expected to disrupt INTU protein function with a negative predictive value of 80%. In summary, the available evidence is currently insufficient to determine the role of this variant in disease. Therefore, it has been classified as a Variant of Uncertain Significance.